The following is an entry in ClinVar:

ClinVar aggregate classification (germline): Likely benign. Review status: criteria provided, multiple submitters, no conflicts (2 of 4 stars). 4 submissions from 4 submitters: Likely benign (3). 1 of the submissions does not count toward it. Last evaluated 2023-10-06.

Conditions:
Wilson disease (WND). Also called: Wilson's disease. Identifiers: Orphanet 905, MedGen C0019202, MONDO:0010200, OMIM 277900. Disease mechanism: loss of function.

Allele frequency attached by ClinVar (database versions not stated): gnomAD exomes 0.00001.
gnomAD v4.1: 13 of 1,613,944 alleles (0.00081%); highest among the groups gnomAD compares: Non-Finnish European, 0.0011%; no homozygotes.

Submissions (4):

Labcorp Genetics (formerly Invitae), Labcorp
Classification: Likely benign for Wilson disease. Last evaluated: 2023-10-06. Review status: criteria provided, single submitter. Criteria: Invitae Variant Classification Sherloc (09022015). Collection method: clinical testing. Allele origin: germline.

All of Us Research Program, National Institutes of Health
Classification: Likely benign for Wilson disease. Last evaluated: 2023-07-10. Review status: criteria provided, single submitter. Criteria: ACMG Guidelines, 2015. Collection method: clinical testing. Allele origin: germline. Inheritance: Autosomal recessive inheritance. Observed: 1 variant allele, 1 heterozygote.
Comment: This study involves interpretation of variants in research participants for the purpose of population health screening. Participant phenotype was not available at the time of variant classification. Additional details can be found in publication PMID: 35346344, PMCID: PMC8962531

Color Diagnostics, LLC DBA Color Health
Classification: Likely benign for Wilson disease. Last evaluated: 2023-06-27. Review status: criteria provided, single submitter. Criteria: ACMG Guidelines, 2015. Collection method: clinical testing. Allele origin: germline.

Natera, Inc.
Classification: Uncertain significance for Wilson disease. Last evaluated: 2025-04-04. Review status: no assertion criteria provided. Collection method: clinical testing. Allele origin: germline. Not counted in ClinVar's aggregate classification.

NM_000053.4(ATP7B):c.1989T>C (p.Pro663=)

Gene: ATP7B (ATPase copper transporting beta; minus strand). Cytogenetic location: 13q14.3.
Variant type: single nucleotide variant.
Coding change: c.1989T>C on transcript NM_000053.4 (MANE Select); coding-DNA position 1989, T replaced by C.
Protein change: p.Pro663=; no amino-acid change (proline 663 retained).
Molecular consequence: synonymous variant. On other transcripts: intron variant (13).
Genome position (GRCh38, 1-based): chr13:51,960,280, A>G on the plus strand (T>C on the coding strand, the complement: ATP7B is on the minus strand). VCF-style: chr13-51960280-A-G. GRCh37 (hg19) VCF-style: chr13-52534416-A-G.
Other names: c.1989T>C (NM_000053.3); c.1656T>C, p.Pro552= (NM_001243182.2); c.1989T>C, p.Pro663= (NM_001330578.2, NM_001406511.1, NM_001406512.1 and 16 more transcripts); c.1956T>C, p.Pro652= (NM_001406514.1, NM_001406524.1); c.1893T>C, p.Pro631= (NM_001406517.1, NM_001406518.1, NM_001406530.1 and 1 more transcripts); c.1560T>C, p.Pro520= (NM_001406539.1); c.1870-2673T>C (NM_001406541.1, NM_001005918.3, NM_001406546.1 and 1 more transcripts); c.1870-1736T>C (NM_001406531.1, NM_001406532.1, NM_001406540.1 and 1 more transcripts); and 4 more.
Identifiers: ClinVar variation 2148428 (VCV002148428.6), dbSNP rs1400193241, ClinGen allele CA483896374.